The following is an entry in ClinVar:

NM_001370259.2(MEN1):c.526G>C (p.Ala176Pro)

Gene: MEN1 (menin 1; minus strand). Cytogenetic location: 11q13.1.
Variant type: single nucleotide variant.
Coding change: c.526G>C on transcript NM_001370259.2 (MANE Select); coding-DNA position 526, G replaced by C.
Protein change: p.Ala176Pro; replaces alanine 176 with proline.
Molecular consequence: missense variant.
Genome position (GRCh38, 1-based): chr11:64,808,019, C>G on the plus strand (G>C on the coding strand, the complement: MEN1 is on the minus strand). VCF-style: chr11-64808019-C-G. GRCh37 (hg19) VCF-style: chr11-64575491-C-G.
Other names: c.541G>C, p.Ala181Pro (NM_000244.4, NM_130800.3, NM_130801.3 and 3 more transcripts); c.526G>C, p.Ala176Pro (NM_001370251.2, NM_001370260.2, NM_001370261.2 and 3 more transcripts); short protein forms A176P, A181P.
Identifiers: ClinVar variation 200975 (VCV000200975.16), dbSNP rs376872829, ClinGen allele CA009468.
Genomic context (GRCh38, chr11:64,808,019, plus strand): 5'-CCTCAGCTGTCTGCTCCCCATTGGGCCCAAACACTACCCAGGCATGATCCTCAGACAGGG[C>G]GAGGTGGACATCCCGGAGACCCAGGGCCTGGCAGGCCCCAACCACAGCAAAGGCCACACC-3'
Protein context (NP_001357188.2, residues 166-186): QALGLRDVHL[Ala176Pro]LSEDHAWVVF

ClinVar aggregate classification (germline): Pathogenic/Likely pathogenic. Review status: criteria provided, multiple submitters, no conflicts (2 of 4 stars). 5 submissions from 5 submitters: Pathogenic (2); Likely pathogenic (3). Last evaluated 2025-12-17.

Conditions:
Hereditary cancer-predisposing syndrome. Also called: Tumor predisposition; Hereditary neoplastic syndrome; Neoplastic Syndromes, Hereditary; Hereditary Cancer Syndrome. Identifiers: Orphanet 140162, MedGen C0027672, MeSH D009386, MONDO:0015356.
Multiple endocrine neoplasia, type 1 (MEN1). Also called: Endocrine adenomatosis multiple; MEN 1; MEA I; MEN I; WERMER SYNDROME. Identifiers: Orphanet 652, MedGen C0025267, MeSH D018761, MONDO:0007540, OMIM 131100.

Submissions (5):

Ambry Genetics
Classification: Pathogenic for Hereditary cancer-predisposing syndrome. Last evaluated: 2025-12-17. Review status: criteria provided, single submitter. Criteria: Ambry Variant Classification Scheme 2023. Collection method: clinical testing. Allele origin: germline.
Comment: The p.A176P pathogenic mutation (also known as c.526G>C), located in coding exon 2 of the MEN1 gene, results from a G to C substitution at nucleotide position 526. The alanine at codon 176 is replaced by proline, an amino acid with highly similar properties. This mutation has been reported in several individuals with multiple endocrine neoplasia type 1 (MEN1) (Agarwal S et al. Hum. Mol. Genet. 1997 Jul; 6(7):1169-75; Ambry internal data). This mutation has also been the subject of numerous functional studies finding disruptions in the JunD and Wnt/&beta;-catenin signaling pathways, abolishment of menin-RPA2 interaction, impaired homologous recombination-directed DNA repair, and selective targeting of this mutant protein for degradation in the proteosome (Agarwal S et al. Cell 1999 Jan; 96(1):143-52; Sukhodolets KE et al. Mol. Cell. Biol., 2003 Jan;23:493-509; Chen G et al. Mol. Cancer Res. 2008 Dec; 6(12):1894-907; Canaff L et al. J. Clin. Endocrinol. Metab. 2012 Feb; 97(2); Fang M et al. Mol. Cell. Biol. 2013 Jul; 33(13):2635-47). This variant is considered to be rare based on population cohorts in the Genome Aggregation Database (gnomAD). This amino acid position is highly conserved in available vertebrate species. In addition, this alteration is predicted to be deleterious by in silico analysis. Based on the supporting evidence, this alteration is interpreted as a disease-causing mutation.

Quest Diagnostics Nichols Institute San Juan Capistrano
Classification: Likely pathogenic. Last evaluated: 2025-07-08. Review status: criteria provided, single submitter. Criteria: Quest Diagnostics criteria. Collection method: clinical testing. Allele origin: unknown.
Comment: The MEN1 c.526G>C (p.Ala176Pro) variant has been reported in the published literature in at least one individual with familial multiple endocrine neoplasia type 1 (PMID: 9215689 (1997)). Assessment of experimental evidence indicates that this variant results in abnormal protein function (PMIDs: 9989505 (1999), 12509449 (2003), 22090276 (2012), 23648481 (2013)). This variant has not been reported in large, multi-ethnic general populations (Genome Aggregation Database). Analysis of this variant using bioinformatics tools for the prediction of the effect of amino acid changes on protein structure and function yielded predictions that this variant is damaging. Based on the available information, this variant is classified as likely pathogenic.

Women's Health and Genetics/Laboratory Corporation of America, LabCorp
Classification: Likely pathogenic for Multiple endocrine neoplasia, type 1. Last evaluated: 2023-03-06. Review status: criteria provided, single submitter. Criteria: LabCorp Variant Classification Summary - May 2015. Collection method: clinical testing. Allele origin: germline.
Comment: Variant summary: MEN1 c.526G>C (p.Ala176Pro) results in a non-conservative amino acid change in the encoded protein sequence. Five of five in-silico tools predict a damaging effect of the variant on protein function. The variant was absent in 251222 control chromosomes (gnomAD). c.526G>C has been reported in the literature in individuals affected with Multiple Endocrine Neoplasia Type 1 (example: Agarwal_1998). Multiple publications have reported experimental evidence that this variant disrupts the normal activity of the protein (examples: Agarwal_1999, Chen_2008, Canaff_2012, Fang_2013). Three clinical diagnostic laboratories have submitted clinical-significance assessments for this variant to ClinVar after 2014 and all classified the variant as pathogenic/likely pathogenic. Based on the evidence outlined above, the variant was classified as likely pathogenic.

Labcorp Genetics (formerly Invitae), Labcorp
Classification: Pathogenic for Multiple endocrine neoplasia, type 1. Last evaluated: 2023-01-14. Review status: criteria provided, single submitter. Criteria: Invitae Variant Classification Sherloc (09022015). Collection method: clinical testing. Allele origin: germline.
Comment: For these reasons, this variant has been classified as Pathogenic. Experimental studies have shown that this missense change affects MEN1 function (PMID: 9989505, 11221882, 12509449, 19074834, 22090276, 23648481). Advanced modeling of protein sequence and biophysical properties (such as structural, functional, and spatial information, amino acid conservation, physicochemical variation, residue mobility, and thermodynamic stability) performed at Invitae indicates that this missense variant is expected to disrupt MEN1 protein function. ClinVar contains an entry for this variant (Variation ID: 200975). This missense change has been observed in individuals with MEN1-related conditions (PMID: 9215689; Invitae). This variant is not present in population databases (gnomAD no frequency). This sequence change replaces alanine, which is neutral and non-polar, with proline, which is neutral and non-polar, at codon 176 of the MEN1 protein (p.Ala176Pro).

GeneDx
Classification: Likely pathogenic. Last evaluated: 2017-04-14. Review status: criteria provided, single submitter. Criteria: GeneDx Variant Classification (06012015). Collection method: clinical testing. Allele origin: germline. Affected: yes.
Comment: The A176P missense variant in the MEN1 gene has previously been published in association with multiple endocrine neoplasia type 1 (Agarwal et al., 1997; Marx et al., 1998). Functional studies demonstrate that A176P results in reduced protein expression compared to wild-type, and that the resulting protein product is unstable (Canaff et al., 2012). This variant is not observed in large population cohorts (Lek et al., 2016; 1000 Genomes Consortium et al., 2015; Exome Variant Server). The A176P variant is a semi-conservative amino acid substitution, which may impact secondary protein structure as these residues differ in some properties. This substitution occurs at a position that is conserved across species, and in silico analysis predicts this variant is probably damaging to the protein structure/function. Based on currently available evidence, A176P is a strong candidate for a pathogenic variant. However, the possibility it is a rare benign variant cannot be excluded.

Literature cited by the submitters: PubMed 12509449 (cited by Ambry Genetics and Labcorp Genetics (formerly Invitae), Labcorp); PubMed 19074834 (cited by 3 submitters); PubMed 22090276 (cited by 3 submitters); PubMed 22327296 (cited by Ambry Genetics); PubMed 23648481 (cited by 3 submitters); PubMed 9215689 (cited by Ambry Genetics and Labcorp Genetics (formerly Invitae), Labcorp); PubMed 9989505 (cited by 3 submitters); PubMed 9671267 (cited by Women's Health and Genetics/Laboratory Corporation of America, LabCorp); PubMed 30869828 (cited by Women's Health and Genetics/Laboratory Corporation of America, LabCorp); PubMed 11221882 (cited by Labcorp Genetics (formerly Invitae), Labcorp).